The following is an entry in ClinVar:

NM_000455.5(STK11):c.1016C>G (p.Pro339Arg)

Genes: STK11 (serine/threonine kinase 11; plus strand), LOC130062899 (ATAC-STARR-seq lymphoblastoid active region 13597; plus strand). Cytogenetic location: 19p13.3.
Variant type: single nucleotide variant.
Coding change: c.1016C>G on transcript NM_000455.5 (MANE Select); coding-DNA position 1016, C replaced by G.
Protein change: p.Pro339Arg; replaces proline 339 with arginine.
Molecular consequence: missense variant.
Genome position (GRCh38, 1-based): chr19:1,223,080, C>G. VCF-style: chr19-1223080-C-G. GRCh37 (hg19) VCF-style: chr19-1223079-C-G.
Other names: short protein forms P339R.
Identifiers: ClinVar variation 403763 (VCV000403763.16), dbSNP rs567896256, ClinGen allele CA16616027.

ClinVar aggregate classification (germline): Uncertain significance. Review status: criteria provided, multiple submitters, no conflicts (2 of 4 stars). 4 submissions from 4 submitters: Uncertain significance (4). Last evaluated 2024-03-27.

Conditions:
Hereditary cancer-predisposing syndrome. Also called: Tumor predisposition; Neoplastic Syndromes, Hereditary; Hereditary Cancer Syndrome; Hereditary neoplastic syndrome. Identifiers: Orphanet 140162, MedGen C0027672, MeSH D009386, MONDO:0015356.
Melanoma, cutaneous malignant, susceptibility to, 1 (CMM1). Also called: B-K MOLE SYNDROME; DYSPLASTIC NEVUS SYNDROME, HEREDITARY; FAMILIAL ATYPICAL MOLE-MALIGNANT MELANOMA SYNDROME; MELANOMA, MALIGNANT. Identifiers: Orphanet 618, MedGen C1835047, MONDO:0007963, OMIM 155600.
Peutz-Jeghers syndrome (PJS). Also called: Peutz-Jeghers polyposis; Periorificial lentiginosis syndrome; POLYPOSIS, HAMARTOMATOUS INTESTINAL; POLYPS-AND-SPOTS SYNDROME. Identifiers: Orphanet 2869, MedGen C0031269, MeSH D010580, MONDO:0008280, OMIM 175200.

Allele frequency attached by ClinVar (database versions not stated): 1000 Genomes Project 30x 0.00016; 1000 Genomes Project 0.00020.

Submissions (4):

Baylor Genetics
Classification: Uncertain significance for Melanoma, cutaneous malignant, susceptibility to, 1. Last evaluated: 2024-03-27. Review status: criteria provided, single submitter. Criteria: ACMG Guidelines, 2015. Collection method: clinical testing. Allele origin: unknown.

Ambry Genetics
Classification: Uncertain significance for Hereditary cancer-predisposing syndrome. Last evaluated: 2022-11-14. Review status: criteria provided, single submitter. Criteria: Ambry Variant Classification Scheme 2023. Collection method: clinical testing. Allele origin: germline.
Comment: The p.P339R variant (also known as c.1016C>G), located in coding exon 8 of the STK11 gene, results from a C to G substitution at nucleotide position 1016. The proline at codon 339 is replaced by arginine, an amino acid with dissimilar properties. This amino acid position is highly conserved in available vertebrate species. In addition, the in silico prediction for this alteration is inconclusive. Since supporting evidence is limited at this time, the clinical significance of this alteration remains unclear.

Genome-Nilou Lab
Classification: Uncertain significance for Peutz-Jeghers syndrome. Last evaluated: 2021-07-15. Review status: criteria provided, single submitter. Criteria: ACMG Guidelines, 2015. Collection method: clinical testing. Allele origin: germline. Affected: no.

Labcorp Genetics (formerly Invitae), Labcorp
Classification: Uncertain significance for Peutz-Jeghers syndrome. Last evaluated: 2016-12-09. Review status: criteria provided, single submitter. Criteria: Invitae Variant Classification Sherloc (09022015). Collection method: clinical testing. Allele origin: germline.
Comment: This variant is not present in population databases (ExAC no frequency) and has not been reported in the literature in individuals with a STK11-related disease. This sequence change replaces proline with arginine at codon 339 of the STK11 protein (p.Pro339Arg). The proline residue is highly conserved and there is a moderate physicochemical difference between proline and arginine. In summary, this variant is a novel missense change with uncertain impact on protein function. It has been classified as a Variant of Uncertain Significance. Algorithms developed to predict the effect of missense changes on protein structure and function do not agree on the potential impact of this missense change (SIFT: "Deleterious"; PolyPhen-2: "Probably Damaging"; Align-GVGD: "Class C15").